The following is an entry in ClinVar:

ClinVar aggregate classification (germline): Benign/Likely benign. Review status: criteria provided, multiple submitters, no conflicts (2 of 4 stars). 2 submissions from 2 submitters: Benign (1); Likely benign (1). Last evaluated 2024-05-22.

Conditions:
Familial cancer of breast. Also called: Hereditary breast cancer; hereditary breast carcinoma; BREAST CANCER, FAMILIAL. Identifiers: Orphanet 227535, MedGen C0346153, MONDO:0016419, OMIM 114480. Disease mechanism: loss of function.

Submissions (2):

Myriad Genetics, Inc.
Classification: Benign for Familial cancer of breast. Last evaluated: 2024-05-22. Review status: criteria provided, single submitter. Criteria: Myriad Autosomal Dominant, Autosomal Recessive and X-Linked Classification Criteria (2023). Collection method: clinical testing. Allele origin: unknown.
Comment: This variant is considered benign. This variant is a silent/synonymous amino acid change and it is not expected to impact splicing.

GeneDx
Classification: Likely benign. Last evaluated: 2016-09-22. Review status: criteria provided, single submitter. Criteria: GeneDx Variant Classification (06012015). Collection method: clinical testing. Allele origin: germline. Affected: yes.
Comment: This variant is considered likely benign or benign based on one or more of the following criteria: it is a conservative change, it occurs at a poorly conserved position in the protein, it is predicted to be benign by multiple in silico algorithms, and/or has population frequency not consistent with disease.

NM_000051.4(ATM):c.5151C>T (p.Tyr1717=)

Gene: ATM (ATM serine/threonine kinase; plus strand). Cytogenetic location: 11q22.3.
Variant type: single nucleotide variant.
Coding change: c.5151C>T on transcript NM_000051.4 (MANE Select); coding-DNA position 5151, C replaced by T.
Protein change: p.Tyr1717=; no amino-acid change (tyrosine 1717 retained).
Molecular consequence: synonymous variant.
Genome position (GRCh38, 1-based): chr11:108,299,859, C>T. VCF-style: chr11-108299859-C-T. GRCh37 (hg19) VCF-style: chr11-108170586-C-T.
Other names: c.5151C>T, p.Tyr1717= (NM_001351834.2).
Identifiers: ClinVar variation 389555 (VCV000389555.2), dbSNP rs1057523468, ClinGen allele CA16606091.
Genomic context (GRCh38, chr11:108,299,859, plus strand): 5'-CAAGGCCCTTAAGTTATTTGAAGATAAAGAACTTCAGTGGACCTTCATAATGCTGACCTA[C>T]CTGAATAACACACTGGTAGAAGATTGGTGAGTATTTATTGATACCTTATATGTAATCTCA-3'
Protein context (NP_000042.3, residues 1707-1727): ELQWTFIMLT[Tyr1717=]LNNTLVEDCV